The following is an entry in ClinVar:

NM_006734.4(HIVEP2):c.45G>T (p.Arg15Ser)

Gene: HIVEP2 (HIVEP zinc finger 2; minus strand). Cytogenetic location: 6q24.2.
Variant type: single nucleotide variant.
Coding change: c.45G>T on transcript NM_006734.4 (MANE Select); coding-DNA position 45, G replaced by T.
Protein change: p.Arg15Ser; replaces arginine 15 with serine.
Molecular consequence: missense variant.
Genome position (GRCh38, 1-based): chr6:142,774,694, C>A on the plus strand (G>T on the coding strand, the complement: HIVEP2 is on the minus strand). VCF-style: chr6-142774694-C-A. GRCh37 (hg19) VCF-style: chr6-143095831-C-A.
Other names: short protein forms R15S.
Identifiers: ClinVar variation 3649994 (VCV003649994.2).
Genomic context (GRCh38, chr6:142,774,694, plus strand): 5'-CTTAATAACAGCTGATTGTTCCTGTCTCCATCTACCTGATGCTTTATCAGTTTCTCCAGA[C>A]CTTGAGGTAGCTTTTTGTCCTAGAGCTGTGTCCCCAGTGTCCATTTTGTTACACAAGGTC-3'
Protein context (NP_006725.3, residues 5-25): DTALGQKATS[Arg15Ser]SGETDKASGR

ClinVar aggregate classification (germline): Uncertain significance (1 of 4 stars; one submission).

gnomAD v4.1: 1 of 1,614,204 alleles (0.000062%); highest among the groups gnomAD compares: Middle Eastern, 0.016%; no homozygotes.

Submission:

Labcorp Genetics (formerly Invitae), Labcorp
Classification: Uncertain significance. Last evaluated: 2024-07-15. Review status: criteria provided, single submitter. Criteria: Invitae Variant Classification Sherloc (09022015). Collection method: clinical testing. Allele origin: germline.
Comment: This sequence change replaces arginine, which is basic and polar, with serine, which is neutral and polar, at codon 15 of the HIVEP2 protein (p.Arg15Ser). This variant is not present in population databases (gnomAD no frequency). This variant has not been reported in the literature in individuals affected with HIVEP2-related conditions. An algorithm developed to predict the effect of missense changes on protein structure and function (PolyPhen-2) suggests that this variant is likely to be tolerated. In summary, the available evidence is currently insufficient to determine the role of this variant in disease. Therefore, it has been classified as a Variant of Uncertain Significance.